The following is an entry in ClinVar:

ClinVar aggregate classification (germline): Pathogenic. Review status: criteria provided, multiple submitters, no conflicts (2 of 4 stars). 4 submissions from 4 submitters: Pathogenic (4). Last evaluated 2024-08-07.

Conditions:
Cardiovascular phenotype. Identifiers: MedGen CN230736.
Hereditary cancer-predisposing syndrome. Also called: Neoplastic Syndromes, Hereditary; Hereditary neoplastic syndrome; Hereditary Cancer Syndrome; Tumor predisposition. Identifiers: Orphanet 140162, MedGen C0027672, MeSH D009386, MONDO:0015356.
Neurofibromatosis, type 1 (NF1). Also called: VON RECKLINGHAUSEN DISEASE; NEUROFIBROMATOSIS, TYPE I, SOMATIC; Peripheral type neurofibromatosis; Neurofibromatosis, type I. Identifiers: Orphanet 636, MedGen C0027831, MONDO:0018975, OMIM 162200. Disease mechanism: loss of function.

Submissions (4):

Ambry Genetics
Classification: Pathogenic for Cardiovascular phenotype; Hereditary cancer-predisposing syndrome. Last evaluated: 2024-08-07. Review status: criteria provided, single submitter. Criteria: Ambry Variant Classification Scheme 2023. Collection method: clinical testing. Allele origin: germline.
Comment: The p.L79* variant (also known as c.236T>G), located in coding exon 3 of the NF1 gene, results from a T to G substitution at nucleotide position 236. This changes the amino acid from a leucine to a stop codon within coding exon 3. This variant has been reported in multiple individuals with features consistent with Neurofibromatosis type 1 (Melloni G et al. Cancers (Basel), 2019 Nov;11; Hazan F et al. Neurol Sci, 2021 May;42:2045-2057). This variant is considered to be rare based on population cohorts in the Genome Aggregation Database (gnomAD). In addition to the clinical data presented in the literature, this alteration is expected to result in loss of function by premature protein truncation or nonsense-mediated mRNA decay. As such, this alteration is interpreted as a disease-causing mutation.

Genome-Nilou Lab
Classification: Pathogenic for Neurofibromatosis, type 1. Last evaluated: 2022-03-15. Review status: criteria provided, single submitter. Criteria: ACMG Guidelines, 2015. Collection method: clinical testing. Allele origin: germline. Affected: no.

Labcorp Genetics (formerly Invitae), Labcorp
Classification: Pathogenic for Neurofibromatosis, type 1. Last evaluated: 2021-04-20. Review status: criteria provided, single submitter. Criteria: Invitae Variant Classification Sherloc (09022015). Collection method: clinical testing. Allele origin: germline.
Comment: For these reasons, this variant has been classified as Pathogenic. This variant has been observed in individual(s) with neurofibromatosis type 1 (PMID: 31766501). ClinVar contains an entry for this variant (Variation ID: 655362). This variant is not present in population databases (ExAC no frequency). This sequence change creates a premature translational stop signal (p.Leu79*) in the NF1 gene. It is expected to result in an absent or disrupted protein product. Loss-of-function variants in NF1 are known to be pathogenic (PMID: 10712197, 23913538).

Mendelics
Classification: Pathogenic for Neurofibromatosis, type 1. Last evaluated: 2019-05-28. Review status: criteria provided, single submitter. Criteria: Mendelics Assertion Criteria 2017. Collection method: clinical testing. Allele origin: unknown.

Literature cited by the submitters: PubMed 31766501 (cited by Ambry Genetics and Labcorp Genetics (formerly Invitae), Labcorp); PubMed 33443663 (cited by Ambry Genetics); PubMed 10712197 (cited by Labcorp Genetics (formerly Invitae), Labcorp); PubMed 23913538 (cited by Labcorp Genetics (formerly Invitae), Labcorp).

NM_001042492.3(NF1):c.236T>G (p.Leu79Ter)

Gene: NF1 (neurofibromin 1; plus strand). Cytogenetic location: 17q11.2.
Variant type: single nucleotide variant.
Coding change: c.236T>G on transcript NM_001042492.3 (MANE Select); coding-DNA position 236, T replaced by G.
Protein change: p.Leu79Ter; replaces leucine 79 with a stop codon.
Molecular consequence: nonsense.
Genome position (GRCh38, 1-based): chr17:31,159,041, T>G. VCF-style: chr17-31159041-T-G. GRCh37 (hg19) VCF-style: chr17-29486059-T-G.
Other names: c.236T>G, p.Leu79Ter (NM_000267.4, NM_001128147.3); short protein forms L79*.
Identifiers: ClinVar variation 655362 (VCV000655362.8), dbSNP rs1597629765, ClinGen allele CA398989597.